The following is an entry in ClinVar:

NM_014140.4(SMARCAL1):c.426del (p.Glu142fs)

Gene: SMARCAL1 (SNF2 related chromatin remodeling annealing helicase 1; plus strand). Cytogenetic location: 2q35.
Variant type: Deletion.
Coding change: c.426del on transcript NM_014140.4 (MANE Select); coding-DNA position 426, one base deleted (G; older notation c.426delG).
Protein change: p.Glu142fs; shifts the reading frame from glutamic acid 142.
Molecular consequence: frameshift variant.
Genome position (GRCh38, 1-based): chr2:216,415,130, G deleted. VCF-style (leftmost placement, unchanged base first): chr2-216415129-AG-A. GRCh37 (hg19) VCF-style: chr2-217279852-AG-A.
Other names: c.426del, p.Glu142fs (NM_001127207.2); short protein forms E142fs.
Identifiers: ClinVar variation 2809304 (VCV002809304.3), dbSNP rs2469611284, ClinGen allele CA2739278288.

ClinVar aggregate classification (germline): Pathogenic (1 of 4 stars; one submission).

Conditions:
Schimke immuno-osseous dysplasia (SIOD). Also called: Schimke Immunoosseous Dysplasia. Identifiers: Orphanet 1830, MedGen C0877024, MONDO:0009458, OMIM 242900.

Submission:

Labcorp Genetics (formerly Invitae), Labcorp
Classification: Pathogenic for Schimke immuno-osseous dysplasia. Last evaluated: 2023-11-17. Review status: criteria provided, single submitter. Criteria: Invitae Variant Classification Sherloc (09022015). Collection method: clinical testing. Allele origin: germline.
Comment: This sequence change creates a premature translational stop signal (p.Glu142Aspfs*2) in the SMARCAL1 gene. It is expected to result in an absent or disrupted protein product. Loss-of-function variants in SMARCAL1 are known to be pathogenic (PMID: 11799392, 20301550). This variant is not present in population databases (gnomAD no frequency). This variant has not been reported in the literature in individuals affected with SMARCAL1-related conditions. For these reasons, this variant has been classified as Pathogenic.

Literature cited by the submitters: PubMed 11799392; PubMed 20301550.